The following is an entry in ClinVar:

NM_033109.5(PNPT1):c.1085G>A (p.Arg362Gln)

Gene: PNPT1 (polyribonucleotide nucleotidyltransferase 1; minus strand). Cytogenetic location: 2p16.1.
Variant type: single nucleotide variant.
Coding change: c.1085G>A on transcript NM_033109.5 (MANE Select); coding-DNA position 1085, G replaced by A.
Protein change: p.Arg362Gln; replaces arginine 362 with glutamine.
Molecular consequence: missense variant.
Genome position (GRCh38, 1-based): chr2:55,667,082, C>T on the plus strand (G>A on the coding strand, the complement: PNPT1 is on the minus strand). VCF-style: chr2-55667082-C-T. GRCh37 (hg19) VCF-style: chr2-55894217-C-T.
Other names: short protein forms R362Q.
Identifiers: ClinVar variation 1353035 (VCV001353035.3), dbSNP rs369037911, ClinGen allele CA1668222.

ClinVar aggregate classification (germline): Uncertain significance (1 of 4 stars; one submission).

Allele frequency attached by ClinVar (database versions not stated): gnomAD 0.00001; gnomAD exomes 0.00001; TOPMed 0.00001; ExAC 0.00002; ESP Exome Variant Server 0.00008.
gnomAD v4.1: 9 of 1,611,282 alleles (0.00056%); highest among the groups gnomAD compares: African/African-American, 0.0013%; no homozygotes.

Submission:

Labcorp Genetics (formerly Invitae), Labcorp
Classification: Uncertain significance. Last evaluated: 2022-09-07. Review status: criteria provided, single submitter. Criteria: Invitae Variant Classification Sherloc (09022015). Collection method: clinical testing. Allele origin: germline.
Comment: This sequence change replaces arginine, which is basic and polar, with glutamine, which is neutral and polar, at codon 362 of the PNPT1 protein (p.Arg362Gln). This variant is present in population databases (rs369037911, gnomAD 0.007%). This variant has not been reported in the literature in individuals affected with PNPT1-related conditions. ClinVar contains an entry for this variant (Variation ID: 1353035). Advanced modeling of protein sequence and biophysical properties (such as structural, functional, and spatial information, amino acid conservation, physicochemical variation, residue mobility, and thermodynamic stability) performed at Invitae indicates that this missense variant is expected to disrupt PNPT1 protein function. In summary, the available evidence is currently insufficient to determine the role of this variant in disease. Therefore, it has been classified as a Variant of Uncertain Significance.